The following is an entry in ClinVar:

ClinVar aggregate classification (germline): Uncertain significance (1 of 4 stars; one submission).

Conditions:
Oligodontia-cancer predisposition syndrome. Also called: TOOTH AGENESIS-COLORECTAL CANCER SYNDROME. Identifiers: Orphanet 300576, MedGen C1837750, MONDO:0012075, OMIM 608615. Disease mechanism: loss of function.

Submission:

Labcorp Genetics (formerly Invitae), Labcorp
Classification: Uncertain significance for Oligodontia-cancer predisposition syndrome. Last evaluated: 2024-06-05. Review status: criteria provided, single submitter. Criteria: Invitae Variant Classification Sherloc (09022015). Collection method: clinical testing. Allele origin: germline.
Comment: This sequence change replaces serine, which is neutral and polar, with proline, which is neutral and non-polar, at codon 648 of the AXIN2 protein (p.Ser648Pro). This variant is not present in population databases (gnomAD no frequency). This variant has not been reported in the literature in individuals affected with AXIN2-related conditions. ClinVar contains an entry for this variant (Variation ID: 1484372). Advanced modeling of protein sequence and biophysical properties (such as structural, functional, and spatial information, amino acid conservation, physicochemical variation, residue mobility, and thermodynamic stability) performed at Invitae indicates that this missense variant is not expected to disrupt AXIN2 protein function with a negative predictive value of 80%. In summary, the available evidence is currently insufficient to determine the role of this variant in disease. Therefore, it has been classified as a Variant of Uncertain Significance.

NM_004655.4(AXIN2):c.1942T>C (p.Ser648Pro)

Gene: AXIN2 (axin 2; minus strand). Cytogenetic location: 17q24.1.
Variant type: single nucleotide variant.
Coding change: c.1942T>C on transcript NM_004655.4 (MANE Select); coding-DNA position 1942, T replaced by C.
Protein change: p.Ser648Pro; replaces serine 648 with proline.
Molecular consequence: missense variant.
Genome position (GRCh38, 1-based): chr17:65,536,519, A>G on the plus strand (T>C on the coding strand, the complement: AXIN2 is on the minus strand). VCF-style: chr17-65536519-A-G. GRCh37 (hg19) VCF-style: chr17-63532637-A-G.
Other names: c.1747T>C, p.Ser583Pro (NM_001363813.1); short protein forms S648P, S583P.
Identifiers: ClinVar variation 1484372 (VCV001484372.8), dbSNP rs2144443801, ClinGen allele CA400676286.